The following is an entry in ClinVar:

NC_012920.1:m.4305A>G

Gene: MT-TI (mitochondrially encoded tRNA isoleucine; plus strand).
Variant type: single nucleotide variant.
Genome position: chrM-4305-A-G.
Identifiers: ClinVar variation 618731 (VCV000618731.8), dbSNP rs1569483932, ClinGen allele CA913177669.
Genomic context (GRCh38, chrMT:4,305, plus strand): 5'-CATTCCCCCTCAAACCTAAGAAATATGTCTGATAAAAGAGTTACTTTGATAGAGTAAATA[A>G]TAGGAGCTTAAACCCCCTTATTTCTAGGACTATGAGAATCGAACCCATCCCTGAGAATCC-3'

ClinVar aggregate classification (germline): Uncertain significance (1 of 4 stars; one submission).

Submission:

ARUP Laboratories, Molecular Genetics and Genomics, ARUP Laboratories
Classification: Uncertain significance. Last evaluated: 2018-05-24. Review status: criteria provided, single submitter. Criteria: ARUP Molecular Germline Variant Investigation Process. Collection method: clinical testing. Allele origin: germline.
Comment: The MT-TI m.4305A>G variant affects the mitochondrially-encoded tRNAs for isoleucine. This variant has not been reported in the medical literature in association with disease and is absent from the MITOMAP database. Thus, based on the available information, the clinical significance of this variant is uncertain.